The following is an entry in ClinVar:

ClinVar aggregate classification (germline): Uncertain significance (1 of 4 stars; one submission).

Conditions:
Fanconi anemia (FA). Also called: Fanconi's anemia. Identifiers: Orphanet 84, MedGen C0015625, MeSH D005199, MONDO:0019391.

Allele frequency attached by ClinVar (database versions not stated): gnomAD exomes below 0.00001.
gnomAD v4.1: 3 of 1,610,450 alleles (0.00019%); highest among the groups gnomAD compares: Middle Eastern, 0.017%; no homozygotes.

Submission:

Labcorp Genetics (formerly Invitae), Labcorp
Classification: Uncertain significance for Fanconi anemia. Last evaluated: 2026-01-14. Review status: criteria provided, single submitter. Criteria: Invitae Variant Classification Sherloc (09022015). Collection method: clinical testing. Allele origin: germline.
Comment: This sequence change replaces leucine, which is neutral and non-polar, with valine, which is neutral and non-polar, at codon 1107 of the FANCD2 protein (p.Leu1107Val). This variant is present in population databases (no rsID available, gnomAD no frequency). This variant has not been reported in the literature in individuals affected with FANCD2-related conditions. ClinVar contains an entry for this variant (Variation ID: 2902435). Invitae Evidence Modeling of protein sequence and biophysical properties (such as structural, functional, and spatial information, amino acid conservation, physicochemical variation, residue mobility, and thermodynamic stability) indicates that this missense variant is not expected to disrupt FANCD2 protein function with a negative predictive value of 80%. In summary, the available evidence is currently insufficient to determine the role of this variant in disease. Therefore, it has been classified as a Variant of Uncertain Significance.

NM_001018115.3(FANCD2):c.3319T>G (p.Leu1107Val)

Genes: FANCD2 (FA complementation group D2; plus strand), FANCD2OS (FANCD2 opposite strand; minus strand). Cytogenetic location: 3p25.3.
Variant type: single nucleotide variant.
Coding change: c.3319T>G on transcript NM_001018115.3 (MANE Select); coding-DNA position 3319, T replaced by G.
Protein change: p.Leu1107Val; replaces leucine 1107 with valine.
Molecular consequence: missense variant. On other transcripts: intron variant (1).
Genome position (GRCh38, 1-based): chr3:10,085,906, T>G. VCF-style: chr3-10085906-T-G. GRCh37 (hg19) VCF-style: chr3-10127590-T-G.
Other names: c.3319T>G, p.Leu1107Val (NM_033084.6, NM_001319984.2, NM_001374254.1); c.*44-4375A>C (NM_173472.2); c.3208T>G, p.Leu1070Val (NM_001374253.1); short protein forms L1107V, L1070V.
Identifiers: ClinVar variation 2902435 (VCV002902435.3), dbSNP rs1325146733, ClinGen allele CA351751431.